The following is an entry in ClinVar:

ClinVar aggregate classification (germline): Pathogenic (1 of 4 stars; one submission).

Conditions:
Infantile neuroaxonal dystrophy (NBIA2A). Also called: NEURODEGENERATION WITH BRAIN IRON ACCUMULATION 2A; SEITELBERGER DISEASE; Infantile neuroaxonal dystrophy 1. Identifiers: Orphanet 35069, MedGen C0270724, MONDO:0024457, OMIM 256600.

Submission:

Labcorp Genetics (formerly Invitae), Labcorp
Classification: Pathogenic for Infantile neuroaxonal dystrophy. Last evaluated: 2023-09-04. Review status: criteria provided, single submitter. Criteria: Invitae Variant Classification Sherloc (09022015). Collection method: clinical testing. Allele origin: germline.
Comment: This sequence change creates a premature translational stop signal (p.Arg285Profs*97) in the PLA2G6 gene. It is expected to result in an absent or disrupted protein product. Loss-of-function variants in PLA2G6 are known to be pathogenic (PMID: 16783378, 18570303, 18799783, 22213678). This variant is not present in population databases (gnomAD no frequency). For these reasons, this variant has been classified as Pathogenic. This variant has not been reported in the literature in individuals affected with PLA2G6-related conditions.

Literature cited by the submitters: PubMed 16783378; PubMed 18570303; PubMed 18799783; PubMed 22213678.

NM_003560.4(PLA2G6):c.853dup (p.Arg285fs)

Gene: PLA2G6 (phospholipase A2 group VI; minus strand). Cytogenetic location: 22q13.1.
Variant type: Duplication.
Coding change: c.853dup on transcript NM_003560.4 (MANE Select); coding-DNA position 853, one base duplicated (C; older notation c.853dupC).
Protein change: p.Arg285fs; shifts the reading frame from arginine 285.
Molecular consequence: frameshift variant.
Genome position (GRCh38, 1-based): chr22:38,135,029, G duplicated on the plus strand (C on the coding strand, the reverse complement: PLA2G6 is on the minus strand); the first of 5 consecutive G bases (chr22:38,135,029-38,135,033); duplicating any one gives the same sequence. VCF-style (leftmost placement, unchanged base first): chr22-38135028-C-CG. GRCh37 (hg19) VCF-style: chr22-38531035-C-CG.
Other names: c.853dup, p.Arg285fs (NM_001004426.3, NM_001199562.3, NM_001349864.2 and 2 more transcripts); c.319dup, p.Arg107fs (NM_001349867.2, NM_001349869.2); c.175dup, p.Arg59fs (NM_001349868.2); short protein forms R107fs, R285fs, R59fs.
Identifiers: ClinVar variation 2758003 (VCV002758003.3), dbSNP rs2518019872, ClinGen allele CA2697552749.